The following is an entry in ClinVar:

ClinVar aggregate classification (germline): Uncertain significance (1 of 4 stars; one submission).

Conditions:
Hereditary spastic paraplegia 4. Also called: Familial spastic paraplegia autosomal dominant 2; Spastic paraplegia 4, autosomal dominant; Spastic Paraplegia 4. Identifiers: Orphanet 100985, MedGen C1866855, MONDO:0008438, OMIM 182601.

Submission:

Neuberg Centre For Genomic Medicine, NCGM
Classification: Uncertain significance for Hereditary spastic paraplegia 4. Review status: criteria provided, single submitter. Criteria: ACMG Guidelines, 2015. Collection method: clinical testing. Allele origin: germline. Inheritance: Autosomal dominant inheritance. Affected: yes.
Comment: The missense variant in c.1663G>C (p.Asp555His) in SPAST gene has not been reported previously as a pathogenic variant nor as a benign variant, to our knowledge. The p.Asp555His variant is novel (not in any individuals) in gnomAD Exomes and 1000 Genomes. The variant has not been reported in Clinvar database. The amino acid Asp at position 555 is changed to a His changing protein sequence and it might alter its composition and physico-chemical properties. The variant is predicted to be damaging by both SIFT and PolyPhen2. The residue is conserved across species. The amino acid change p.Asp555His in SPAST is predicted as conserved by GERP++ and PhyloP across 100 vertebrates. For these reasons, this variant has been classified as Uncertain Significance.

NM_014946.4(SPAST):c.1663G>C (p.Asp555His)

Gene: SPAST (spastin; plus strand). Cytogenetic location: 2p22.3.
Variant type: single nucleotide variant.
Coding change: c.1663G>C on transcript NM_014946.4 (MANE Select); coding-DNA position 1663, G replaced by C.
Protein change: p.Asp555His; replaces aspartic acid 555 with histidine.
Molecular consequence: missense variant. On other transcripts: intron variant (1).
Genome position (GRCh38, 1-based): chr2:32,144,983, G>C. VCF-style: chr2-32144983-G-C. GRCh37 (hg19) VCF-style: chr2-32370052-G-C.
Other names: c.1520+1568G>C (NM_001377959.1); c.1660G>C, p.Asp554His (NM_001363823.2); c.1564G>C, p.Asp522His (NM_001363875.2); c.1567G>C, p.Asp523His (NM_199436.2); short protein forms D523H, D554H, D555H, D522H.
Identifiers: ClinVar variation 2585337 (VCV002585337.1), dbSNP rs1553319546, ClinGen allele CA346504250.
Genomic context (GRCh38, chr2:32,144,983, plus strand): 5'-CTTCCCTTCCTCAGAATGACTGATGGATACTCAGGAAGTGACCTAACAGCTTTGGCAAAA[G>C]ATGCAGCACTGGGTCCTATCCGAGGTAGGTATACAAGAGCTTAAAACATTTAGAACTATT-3'
Protein context (NP_055761.2, residues 545-565): SGSDLTALAK[Asp555His]AALGPIRELK